The following is an entry in ClinVar:

NM_005585.5(SMAD6):c.293C>T (p.Ala98Val)

Gene: SMAD6 (SMAD family member 6; plus strand). Cytogenetic location: 15q22.31.
Variant type: single nucleotide variant.
Coding change: c.293C>T on transcript NM_005585.5 (MANE Select); coding-DNA position 293, C replaced by T.
Protein change: p.Ala98Val; replaces alanine 98 with valine.
Molecular consequence: missense variant. On other transcripts: non-coding transcript variant (1).
Genome position (GRCh38, 1-based): chr15:66,703,551, C>T. VCF-style: chr15-66703551-C-T. GRCh37 (hg19) VCF-style: chr15-66995889-C-T.
Other names: short protein forms A98V.
Identifiers: ClinVar variation 2059875 (VCV002059875.4), dbSNP rs913087158, ClinGen allele CA271682826.

ClinVar aggregate classification (germline): Uncertain significance (1 of 4 stars; one submission).

Conditions:
Aortic valve disease 2 (AOVD2). Identifiers: MedGen C3542024, MONDO:0013902, OMIM 614823.

Allele frequency attached by ClinVar (database versions not stated): TOPMed 0.00004; gnomAD 0.00005; gnomAD exomes below 0.00001.
gnomAD v4.1: 10 of 1,221,830 alleles (0.00082%); highest among the groups gnomAD compares: African/African-American, 0.016%; no homozygotes.

Submission:

Labcorp Genetics (formerly Invitae), Labcorp
Classification: Uncertain significance for Aortic valve disease 2. Last evaluated: 2022-10-30. Review status: criteria provided, single submitter. Criteria: Invitae Variant Classification Sherloc (09022015). Collection method: clinical testing. Allele origin: germline.
Comment: In summary, the available evidence is currently insufficient to determine the role of this variant in disease. Therefore, it has been classified as a Variant of Uncertain Significance. Experimental studies have shown that this missense change does not substantially affect SMAD6 function (PMID: 32499606). Algorithms developed to predict the effect of missense changes on protein structure and function output the following: SIFT: "Tolerated"; PolyPhen-2: "Benign"; Align-GVGD: "Class C0". The valine amino acid residue is found in multiple mammalian species, which suggests that this missense change does not adversely affect protein function. This missense change has been observed in individual(s) with craniosynostosis (PMID: 32499606). This variant is not present in population databases (gnomAD no frequency). This sequence change replaces alanine, which is neutral and non-polar, with valine, which is neutral and non-polar, at codon 98 of the SMAD6 protein (p.Ala98Val).

Literature cited by the submitters: PubMed 32499606.